The following is an entry in ClinVar:

NM_004171.4(SLC1A2):c.1574A>C (p.Asp525Ala)

Gene: SLC1A2 (solute carrier family 1 member 2; minus strand). Cytogenetic location: 11p13.
Variant type: single nucleotide variant.
Coding change: c.1574A>C on transcript NM_004171.4 (MANE Select); coding-DNA position 1574, A replaced by C.
Protein change: p.Asp525Ala; replaces aspartic acid 525 with alanine.
Molecular consequence: missense variant.
Genome position (GRCh38, 1-based): chr11:35,265,606, T>G on the plus strand (A>C on the coding strand, the complement: SLC1A2 is on the minus strand). VCF-style: chr11-35265606-T-G. GRCh37 (hg19) VCF-style: chr11-35287153-T-G.
Other names: c.1547A>C, p.Asp516Ala (NM_001195728.3, NM_001252652.2); short protein forms D525A, D516A.
Identifiers: ClinVar variation 2919452 (VCV002919452.3), dbSNP rs1254681642, ClinGen allele CA380118670.

ClinVar aggregate classification (germline): Uncertain significance (1 of 4 stars; one submission).

Allele frequency attached by ClinVar (database versions not stated): gnomAD exomes below 0.00001.
gnomAD v4.1: 1 of 1,612,982 alleles (0.000062%); highest among the groups gnomAD compares: African/African-American, 0.0013%; no homozygotes.

Submission:

Labcorp Genetics (formerly Invitae), Labcorp
Classification: Uncertain significance. Last evaluated: 2025-06-29. Review status: criteria provided, single submitter. Criteria: Invitae Variant Classification Sherloc (09022015). Collection method: clinical testing. Allele origin: germline.
Comment: This sequence change replaces aspartic acid, which is acidic and polar, with alanine, which is neutral and non-polar, at codon 525 of the SLC1A2 protein (p.Asp525Ala). This variant is present in population databases (no rsID available, gnomAD 0.007%). This variant has not been reported in the literature in individuals affected with SLC1A2-related conditions. ClinVar contains an entry for this variant (Variation ID: 2919452). An algorithm developed to predict the effect of missense changes on protein structure and function (PolyPhen-2) suggests that this variant is likely to be tolerated. In summary, the available evidence is currently insufficient to determine the role of this variant in disease. Therefore, it has been classified as a Variant of Uncertain Significance.